The following is an entry in ClinVar:

NM_004656.4(BAP1):c.1399A>C (p.Thr467Pro)

Gene: BAP1 (BRCA1 associated deubiquitinase 1; minus strand). Cytogenetic location: 3p21.1.
Variant type: single nucleotide variant.
Coding change: c.1399A>C on transcript NM_004656.4 (MANE Select); coding-DNA position 1399, A replaced by C.
Protein change: p.Thr467Pro; replaces threonine 467 with proline.
Molecular consequence: missense variant.
Genome position (GRCh38, 1-based): chr3:52,403,746, T>G on the plus strand (A>C on the coding strand, the complement: BAP1 is on the minus strand). VCF-style: chr3-52403746-T-G. GRCh37 (hg19) VCF-style: chr3-52437762-T-G.
Other names: c.1345A>C, p.Thr449Pro (NM_001410772.1); short protein forms T449P, T467P.
Identifiers: ClinVar variation 2774748 (VCV002774748.2), dbSNP rs2471329413, ClinGen allele CA353101592.

ClinVar aggregate classification (germline): Uncertain significance (1 of 4 stars; one submission).

Conditions:
Hereditary cancer-predisposing syndrome. Also called: Neoplastic Syndromes, Hereditary; Tumor predisposition; Hereditary Cancer Syndrome; Hereditary neoplastic syndrome. Identifiers: Orphanet 140162, MedGen C0027672, MeSH D009386, MONDO:0015356.

Submission:

Color Diagnostics, LLC DBA Color Health
Classification: Uncertain significance for Hereditary cancer-predisposing syndrome. Last evaluated: 2024-03-07. Review status: criteria provided, single submitter. Criteria: ACMG Guidelines, 2015. Collection method: clinical testing. Allele origin: germline.
Comment: This missense variant replaces threonine with proline at codon 467 of the BAP1 protein. Computational prediction suggests that this variant may not impact protein structure and function (internally defined REVEL score threshold <= 0.5, PMID: 27666373). To our knowledge, functional studies have not been reported for this variant. This variant has not been reported in individuals affected with hereditary cancer in the literature. This variant has not been identified in the general population by the Genome Aggregation Database (gnomAD). The available evidence is insufficient to determine the role of this variant in disease conclusively. Therefore, this variant is classified as a Variant of Uncertain Significance.